The following is an entry in ClinVar:

NM_001042492.3(NF1):c.5709C>G (p.Asn1903Lys)

Gene: NF1 (neurofibromin 1; plus strand). Cytogenetic location: 17q11.2.
Variant type: single nucleotide variant.
Coding change: c.5709C>G on transcript NM_001042492.3 (MANE Select); coding-DNA position 5709, C replaced by G.
Protein change: p.Asn1903Lys; replaces asparagine 1903 with lysine.
Molecular consequence: missense variant.
Genome position (GRCh38, 1-based): chr17:31,330,395, C>G. VCF-style: chr17-31330395-C-G. GRCh37 (hg19) VCF-style: chr17-29657413-C-G.
Other names: c.5646C>G, p.Asn1882Lys (NM_000267.4); short protein forms N1903K, N1882K.
Identifiers: ClinVar variation 825872 (VCV000825872.5), dbSNP rs1597834780, ClinGen allele CA399010305.

ClinVar aggregate classification (germline): Uncertain significance. Review status: criteria provided, multiple submitters, no conflicts (2 of 4 stars). 2 submissions from 2 submitters: Uncertain significance (2). Last evaluated 2021-08-19.

Conditions:
Hereditary cancer-predisposing syndrome. Also called: Neoplastic Syndromes, Hereditary; Tumor predisposition; Hereditary neoplastic syndrome; Hereditary Cancer Syndrome. Identifiers: Orphanet 140162, MedGen C0027672, MeSH D009386, MONDO:0015356.
Cardiovascular phenotype. Identifiers: MedGen CN230736.

Submissions (2):

Sema4
Classification: Uncertain significance for Hereditary cancer-predisposing syndrome. Last evaluated: 2021-08-19. Review status: criteria provided, single submitter. Criteria: Sema4 Curation Guidelines. Collection method: curation. Allele origin: germline.
Comment: The NF1 c.5646C>G (p.N1882K) variant has not been reported in the literature to our knowledge. It was not observed in the large and broad cohorts of the Genome Aggregation Database. The variant has been reported in ClinVar (Variation ID 825872). In silico tools suggest the impact of the variant on protein function is deleterious, though these predictions have not been confirmed by functional studies. The evidence is insufficient to meet ACMG/AMP criteria for classifying the variant as benign or pathogenic. Thus, the clinical significance of this variant is currently uncertain.

Ambry Genetics
Classification: Uncertain significance for Cardiovascular phenotype; Hereditary cancer-predisposing syndrome. Last evaluated: 2019-03-13. Review status: criteria provided, single submitter. Criteria: Ambry Variant Classification Scheme 2023. Collection method: clinical testing. Allele origin: germline.
Comment: The p.N1882K variant (also known as c.5646C>G), located in coding exon 38 of the NF1 gene, results from a C to G substitution at nucleotide position 5646. The asparagine at codon 1882 is replaced by lysine, an amino acid with similar properties. This amino acid position is highly conserved in available vertebrate species. In addition, the in silico prediction for this alteration is inconclusive. Since supporting evidence is limited at this time, the clinical significance of this alteration remains unclear.